The following is an entry in ClinVar:

ClinVar aggregate classification (germline): Uncertain significance (1 of 4 stars; one submission).

gnomAD v4.1: 2 of 1,614,022 alleles (0.00012%); highest among the groups gnomAD compares: Non-Finnish European, 0.00017%; no homozygotes.

Submission:

GeneDx
Classification: Uncertain significance. Last evaluated: 2025-07-28. Review status: criteria provided, single submitter. Criteria: GeneDx Variant Classification Process June 2021. Collection method: clinical testing. Allele origin: germline. Affected: yes.
Comment: Not observed at significant frequency in large population cohorts (gnomAD); In silico analysis supports that this missense variant has a deleterious effect on protein structure/function; Has not been previously published as pathogenic or benign to our knowledge

NM_015559.3(SETBP1):c.4250A>G (p.Tyr1417Cys)

Gene: SETBP1 (SET binding protein 1; plus strand). Cytogenetic location: 18q12.3.
Variant type: single nucleotide variant.
Coding change: c.4250A>G on transcript NM_015559.3 (MANE Select); coding-DNA position 4250, A replaced by G.
Protein change: p.Tyr1417Cys; replaces tyrosine 1417 with cysteine.
Molecular consequence: missense variant.
Genome position (GRCh38, 1-based): chr18:45,063,157, A>G. VCF-style: chr18-45063157-A-G. GRCh37 (hg19) VCF-style: chr18-42643122-A-G.
Other names: c.4250A>G, p.Tyr1417Cys (NM_001379141.1, NM_001379142.1); c.4079A>G, p.Tyr1360Cys (NM_001410862.1); short protein forms Y1360C, Y1417C.
Identifiers: ClinVar variation 4755819 (VCV004755819.1).